The following is an entry in ClinVar:

NM_025144.4(ALPK1):c.959T>G (p.Leu320Trp)

Gene: ALPK1 (alpha kinase 1; plus strand). Cytogenetic location: 4q25.
Variant type: single nucleotide variant.
Coding change: c.959T>G on transcript NM_025144.4 (MANE Select); coding-DNA position 959, T replaced by G.
Protein change: p.Leu320Trp; replaces leucine 320 with tryptophan.
Molecular consequence: missense variant.
Genome position (GRCh38, 1-based): chr4:112,430,506, T>G. VCF-style: chr4-112430506-T-G. GRCh37 (hg19) VCF-style: chr4-113351662-T-G.
Other names: c.959T>G (NM_025144.3, NM_001102406.1); c.959T>G, p.Leu320Trp (NM_001102406.2); c.725T>G, p.Leu242Trp (NM_001253884.2); short protein forms L320W, L242W.
Identifiers: ClinVar variation 2039444 (VCV002039444.6), dbSNP rs779314062, ClinGen allele CA3046634.
Genomic context (GRCh38, chr4:112,430,506, plus strand): 5'-AGAATATCCGTGGCACGTGTTTATTGTCCTACAGTAGTTCAAATGACTGTCCTCCAGAAT[T>G]GAAAAACTTACATCTGTGTGAAGCCAAAGAGGCCTTTGAGATTGGCCTCCTCACCAAGAG-3'
Protein context (NP_079420.3, residues 310-330): YSSSNDCPPE[Leu320Trp]KNLHLCEAKE

ClinVar aggregate classification (germline): Conflicting classifications of pathogenicity. Review status: criteria provided, conflicting classifications (1 of 4 stars). 3 submissions from 3 submitters: Uncertain significance (2); Likely benign (1). Last evaluated 2025-12-20.

Conditions:
Inborn genetic diseases. Identifiers: MedGen C0950123, MeSH D030342.
ALPK1-related disorder. Also called: ALPK1-related condition.

Allele frequency attached by ClinVar (database versions not stated): TOPMed 0.00020; gnomAD 0.00030; ExAC 0.00001.

Submissions (3):

Labcorp Genetics (formerly Invitae), Labcorp
Classification: Uncertain significance. Last evaluated: 2025-12-20. Review status: criteria provided, single submitter. Criteria: Invitae Variant Classification Sherloc (09022015). Collection method: clinical testing. Allele origin: germline.
Comment: This sequence change replaces leucine, which is neutral and non-polar, with tryptophan, which is neutral and slightly polar, at codon 320 of the ALPK1 protein (p.Leu320Trp). This variant is present in population databases (rs779314062, gnomAD 0.06%), and has an allele count higher than expected for a pathogenic variant. This variant has not been reported in the literature in individuals affected with ALPK1-related conditions. ClinVar contains an entry for this variant (Variation ID: 2039444). Invitae Evidence Modeling of protein sequence and biophysical properties (such as structural, functional, and spatial information, amino acid conservation, physicochemical variation, residue mobility, and thermodynamic stability) indicates that this missense variant is not expected to disrupt ALPK1 protein function with a negative predictive value of 80%. In summary, the available evidence is currently insufficient to determine the role of this variant in disease. Therefore, it has been classified as a Variant of Uncertain Significance.

PreventionGenetics, part of Exact Sciences
Classification: Likely benign for ALPK1-related condition. Last evaluated: 2025-01-06. Review status: criteria provided, single submitter. Criteria: ACMG Guidelines, 2015. Collection method: clinical testing. Allele origin: germline.
Comment: This variant is classified as likely benign based on ACMG/AMP sequence variant interpretation guidelines (Richards et al. 2015 PMID: 25741868, with internal and published modifications).

Ambry Genetics
Classification: Uncertain significance for Inborn genetic diseases. Last evaluated: 2024-11-24. Review status: criteria provided, single submitter. Criteria: Ambry Variant Classification Scheme 2023. Collection method: clinical testing. Allele origin: germline.